The following is an entry in ClinVar:

ClinVar aggregate classification (germline): Likely pathogenic (1 of 4 stars; one submission).

Conditions:
Sialic acid storage disease, severe infantile type (ISSD). Also called: INFANTILE SIALIC ACID STORAGE DISORDER; N-ACETYLNEURAMINIC ACID STORAGE DISEASE; NANA STORAGE DISEASE; SIALURIA, INFANTILE FORM; Infantile Sialic Acid Storage Disease; Free sialic acid storage disease, infantile form. Identifiers: Orphanet 309324, Orphanet 834, MedGen C1096902, MONDO:0010027, OMIM 269920.

Submission:

Myriad Genetics, Inc.
Classification: Likely pathogenic for Sialic acid storage disease, severe infantile type. Last evaluated: 2022-02-28. Review status: criteria provided, single submitter. Criteria: Myriad Autosomal Dominant, Autosomal Recessive and X-Linked Classification Criteria (2023). Collection method: clinical testing. Allele origin: unknown.
Comment: NM_012434.4(SLC17A5):c.857T>A(L286*) is expected to be pathogenic in the context of free sialic acid storage disorders. This variant is predicted to lead to an abnormal or absent protein product due to the creation of a premature termination codon in SLC17A5, a gene where loss-of-function variants are known to be pathogenic. Please note: this variant was assessed in the context of healthy population screening.

NM_012434.5(SLC17A5):c.857T>A (p.Leu286Ter)

Gene: SLC17A5 (solute carrier family 17 member 5; minus strand). Cytogenetic location: 6q13.
Variant type: single nucleotide variant.
Coding change: c.857T>A on transcript NM_012434.5 (MANE Select); coding-DNA position 857, T replaced by A.
Protein change: p.Leu286Ter; replaces leucine 286 with a stop codon.
Molecular consequence: nonsense. On other transcripts: intron variant (1).
Genome position (GRCh38, 1-based): chr6:73,621,925, A>T on the plus strand (T>A on the coding strand, the complement: SLC17A5 is on the minus strand). VCF-style: chr6-73621925-A-T. GRCh37 (hg19) VCF-style: chr6-74331648-A-T.
Other names: c.626T>A, p.Leu209Ter (NM_001382629.1); c.857T>A, p.Leu286Ter (NM_001382630.1, NM_001382633.1); c.878T>A, p.Leu293Ter (NM_001382631.1); c.770T>A, p.Leu257Ter (NM_001382632.1); c.854T>A, p.Leu285Ter (NM_001382635.1); c.539T>A, p.Leu180Ter (NM_001382636.1); c.820-6478T>A (NM_001382634.1); short protein forms L180*, L209*, L257*, L285*, L286*, L293*.
Identifiers: ClinVar variation 1726488 (VCV001726488.3), dbSNP rs2533450732, ClinGen allele CA364713682.